The following is an entry in ClinVar:

NM_001267550.2(TTN):c.87233T>G (p.Leu29078Ter)

Genes: TTN (titin; minus strand), TTN-AS1 (TTN antisense RNA 1; plus strand). Cytogenetic location: 2q31.2.
Variant type: single nucleotide variant.
Coding change: c.87233T>G on transcript NM_001267550.2 (MANE Select); coding-DNA position 87233, T replaced by G.
Protein change: p.Leu29078Ter; replaces leucine 29078 with a stop codon.
Molecular consequence: nonsense.
Genome position (GRCh38, 1-based): chr2:178,558,121, A>C on the plus strand (T>G on the coding strand, the complement: TTN is on the minus strand). VCF-style: chr2-178558121-A-C. GRCh37 (hg19) VCF-style: chr2-179422848-A-C.
Other names: c.82310T>G, p.Leu27437Ter (NM_001256850.1); c.60038T>G, p.Leu20013Ter (NM_003319.4); c.79529T>G, p.Leu26510Ter (NM_133378.4); c.60413T>G, p.Leu20138Ter (NM_133432.3); c.60614T>G, p.Leu20205Ter (NM_133437.4); short protein forms L20138*, L26510*, L29078*, L20013*, L20205*, L27437*.
Identifiers: ClinVar variation 1516719 (VCV001516719.8), dbSNP rs2154156172, ClinGen allele CA349537766.
Genomic context (GRCh38, chr2:178,558,121, plus strand): 5'-TCAGCAGTAATTTCGGTATTAAATCTCATGGTTGCCTTAAGGGGGACACCATCTCTTGAT[A>C]AGGTCACTTTGGGAAGTGGTTTTCCAGAGATTGGAATGTCAACTTTAAGGTTTGAACCAG-3'

ClinVar aggregate classification (germline): Likely pathogenic (1 of 4 stars; one submission).

Conditions:
Dilated cardiomyopathy 1G (CMD1G). Identifiers: Orphanet 154, MedGen C1858763, MONDO:0011400, OMIM 604145.
Autosomal recessive limb-girdle muscular dystrophy type 2J (LGMDR10). Also called: Limb-girdle muscular dystrophy, type 2J; MUSCULAR DYSTROPHY, LIMB-GIRDLE, AUTOSOMAL RECESSIVE 10. Identifiers: Orphanet 140922, MedGen C1837342, MONDO:0012127, OMIM 608807.

Submission:

Labcorp Genetics (formerly Invitae), Labcorp
Classification: Likely pathogenic for Dilated cardiomyopathy 1G; Autosomal recessive limb-girdle muscular dystrophy type 2J. Last evaluated: 2025-12-16. Review status: criteria provided, single submitter. Criteria: Invitae Variant Classification Sherloc (09022015). Collection method: clinical testing. Allele origin: germline.
Comment: This sequence change creates a premature translational stop signal (p.Leu29078*) in the TTN gene. While this is not anticipated to result in nonsense mediated decay, it is expected to create a truncated TTN protein. This variant is not present in population databases (gnomAD no frequency). This variant has not been reported in the literature in individuals affected with TTN-related conditions. ClinVar contains an entry for this variant (Variation ID: 1516719). This variant is located in the A band of TTN (PMID: 25589632). Truncating variants in this region are significantly overrepresented in patients affected with dilated cardiomyopathy (PMID: 25589632). Truncating variants in this region have also been reported in individuals affected with autosomal recessive centronuclear myopathy (PMID: 23975875). In summary, the currently available evidence indicates that the variant is pathogenic, but additional data are needed to prove that conclusively. Therefore, this variant has been classified as Likely Pathogenic.

Literature cited by the submitters: PubMed 25589632; PubMed 23975875.